The following is an entry in ClinVar:

NM_004612.4(TGFBR1):c.1459C>G (p.Arg487Gly)

Gene: TGFBR1 (transforming growth factor beta receptor 1; plus strand). Cytogenetic location: 9q22.33.
Variant type: single nucleotide variant.
Coding change: c.1459C>G on transcript NM_004612.4 (MANE Select); coding-DNA position 1459, C replaced by G.
Protein change: p.Arg487Gly; replaces arginine 487 with glycine.
Molecular consequence: missense variant.
Genome position (GRCh38, 1-based): chr9:99,149,252, C>G. VCF-style: chr9-99149252-C-G. GRCh37 (hg19) VCF-style: chr9-101911534-C-G.
Other names: c.1228C>G, p.Arg410Gly (NM_001130916.3); c.1471C>G, p.Arg491Gly (NM_001306210.2); short protein forms R487G, R410G, R491G.
Identifiers: ClinVar variation 662027 (VCV000662027.9), dbSNP rs111426349, ClinGen allele CA374233718.

ClinVar aggregate classification (germline): Uncertain significance (1 of 4 stars; one submission).

Conditions:
Familial thoracic aortic aneurysm and aortic dissection (TAAD). Also called: Thoracic aortic aneurysms and dissections. Identifiers: Orphanet 91387, MedGen C4707243, MONDO:0019625.

Submission:

Labcorp Genetics (formerly Invitae), Labcorp
Classification: Uncertain significance for Familial thoracic aortic aneurysm and aortic dissection. Last evaluated: 2018-12-31. Review status: criteria provided, single submitter. Criteria: Invitae Variant Classification Sherloc (09022015). Collection method: clinical testing. Allele origin: germline.
Comment: In summary, the available evidence is currently insufficient to determine the role of this variant in disease. Therefore, it has been classified as a Variant of Uncertain Significance. This variant disrupts the p.Arg487 amino acid residue in TGFBR1. Other variant(s) that disrupt this residue have been observed in affected individuals (PMID: 16791849, 18455604, 22113417, 23884466, 15731757, 16928994, 22414221, 25110237), suggesting that it is a clinically significant residue. As a result, variants that disrupt this residue are likely to be causative of disease. Algorithms developed to predict the effect of missense changes on protein structure and function are either unavailable or do not agree on the potential impact of this missense change (SIFT: "Tolerated"; PolyPhen-2: "Probably Damaging"; Align-GVGD: "Class C15"). This variant has been observed in an individual affected with Loeys-Dietz syndrome (PMID: 23884466). This variant is not present in population databases (ExAC no frequency). This sequence change replaces arginine with glycine at codon 487 of the TGFBR1 protein (p.Arg487Gly). The arginine residue is highly conserved and there is a moderate physicochemical difference between arginine and glycine.

Literature cited by the submitters: PubMed 16791849; PubMed 18455604; PubMed 22113417; PubMed 23884466; PubMed 15731757; PubMed 16928994; PubMed 22414221; PubMed 25110237.